The following is an entry in ClinVar:

NM_005654.6(NR2F1):c.1065C>T (p.Tyr355=)

Gene: NR2F1 (nuclear receptor subfamily 2 group F member 1; plus strand). Cytogenetic location: 5q15.
Variant type: single nucleotide variant.
Coding change: c.1065C>T on transcript NM_005654.6 (MANE Select); coding-DNA position 1065, C replaced by T.
Protein change: p.Tyr355=; no amino-acid change (tyrosine 355 retained).
Molecular consequence: synonymous variant.
Genome position (GRCh38, 1-based): chr5:93,593,635, C>T. VCF-style: chr5-93593635-C-T. GRCh37 (hg19) VCF-style: chr5-92929341-C-T.
Other names: c.1065C>T (NM_005654.5); c.615C>T, p.Tyr205= (NM_001410754.1).
Identifiers: ClinVar variation 2899324 (VCV002899324.6), dbSNP rs763566932, ClinGen allele CA3343233.

ClinVar aggregate classification (germline): Likely benign. Review status: criteria provided, multiple submitters, no conflicts (2 of 4 stars). 3 submissions from 3 submitters: Likely benign (2). 1 of the submissions does not count toward it. Last evaluated 2026-01-17.

Conditions:
NR2F1-related disorder. Also called: NR2F1-related condition.

Allele frequency attached by ClinVar (database versions not stated): ExAC 0.00001; gnomAD 0.00001; gnomAD exomes 0.00001; TOPMed 0.00005.
gnomAD v4.1: 22 of 1,613,918 alleles (0.0014%); highest among the groups gnomAD compares: Admixed American, 0.005%; no homozygotes.

Submissions (3):

Labcorp Genetics (formerly Invitae), Labcorp
Classification: Likely benign. Last evaluated: 2026-01-17. Review status: criteria provided, single submitter. Criteria: Invitae Variant Classification Sherloc (09022015). Collection method: clinical testing. Allele origin: germline.

Blueprint Genetics
Classification: Likely benign. Last evaluated: 2024-03-25. Review status: criteria provided, single submitter. Criteria: ACMG Guidelines, 2015. Collection method: clinical testing. Allele origin: germline.

PreventionGenetics, part of Exact Sciences
Classification: Likely benign for NR2F1-related condition. Last evaluated: 2019-09-19. Review status: no assertion criteria provided. Collection method: clinical testing. Allele origin: germline. Not counted in ClinVar's aggregate classification.
Comment: This variant is classified as likely benign based on ACMG/AMP sequence variant interpretation guidelines (Richards et al. 2015 PMID: 25741868, with internal and published modifications).